The following is an entry in ClinVar:

ClinVar aggregate classification (germline): Pathogenic. Review status: reviewed by expert panel (3 of 4 stars). 2 submissions from 2 submitters: Pathogenic (1). 1 of the submissions does not count toward it. Last evaluated 2024-08-07.

Conditions:
Severe X-linked myotubular myopathy (CNMX). Also called: X-linked centronuclear myopathy; MYOTUBULAR MYOPATHY 1; Myotubular myopathy, X-linked. Identifiers: Orphanet 596, MedGen C0410203, MONDO:0010683, OMIM 310400.

Submissions (2):

ClinGen Congenital Myopathies Variant Curation Expert Panel, ClinGen
Classification: Pathogenic for Severe X-linked myotubular myopathy. Last evaluated: 2024-08-07. Review status: reviewed by expert panel. Criteria: ClinGen CongenMyopathy ACMG Specifications MTM1 V1.0.0. Collection method: curation. Allele origin: germline. Inheritance: X-linked inheritance.
Comment: The NM_000252.3:c.1644+1G>A variant in MTM1 occurs within the canonical splice donor site (+1) of intron 14. Although the exact impact of this variant on splicing is unknown, it might cause skipping of biologically-relevant-exon 14/15 resulting in an in-frame deletion and escape nonsense mediated decay, removing <10% of the protein based on computational predictions. However, the C-terminus of MTM1 is a critical region to protein function as specified by the ClinGen Congenital Myopathy VCEP, thus meeting PVS1_Strong. The variant is absent from gnomAD v4.1.0 meeting PM2_Supporting. This variant has been detected in 3 individuals with myotubular myopathy (PS4_Moderate, PMID:28685322, 33062893, 34366366), one of which has been identified as a de novo occurrence with confirmed parental relationships whose muscle biopsy showed central nuclei, necklace fibers, and atrophy fibers which is highly specific for the disease (PS2, PP4, PMID:28685322). In summary, this variant meets the criteria to be classified as pathogenic for X-linked centronuclear myopathy based on the ACMG/AMP criteria applied, as specified by the ClinGen Congenital Myopathies VCEP: PVS1_Strong, PS2, PS4_Moderate, PP4, PM2_Supporting (ClinGen Congenital Myopathies VCEP specifications version 1; 8/7/2024).

Centre for Mendelian Genomics, University Medical Centre Ljubljana
Classification: Pathogenic for Severe X-linked myotubular myopathy. Last evaluated: 2019-10-01. Review status: criteria provided, single submitter. Criteria: ACMG Guidelines, 2015. Collection method: clinical testing. Allele origin: unknown. Affected: yes. Not counted in ClinVar's aggregate classification.
Comment: This variant was classified as: Pathogenic. The following ACMG criteria were applied in classifying this variant: PVS1,PM2,PP5. This variant was detected in hemizygous state.

NM_000252.3(MTM1):c.1644+1G>A

Gene: MTM1 (myotubularin 1; plus strand). Cytogenetic location: Xq28.
Variant type: single nucleotide variant.
Coding change: c.1644+1G>A on transcript NM_000252.3 (MANE Select); the canonical splice donor site of the intron after coding-DNA position 1644, G replaced by A.
Molecular consequence: splice donor variant.
Genome position (GRCh38, 1-based): chrX:150,663,610, G>A. VCF-style: chrX-150663610-G-A. GRCh37 (hg19) VCF-style: chrX-149832083-G-A.
Other names: c.1644+1G>A (NM_001376908.1, NM_001376906.1); c.1533+1G>A (NM_001376907.1).
Identifiers: ClinVar variation 930768 (VCV000930768.4), dbSNP rs398123272, ClinGen allele CA415260520.